The following continues an entry in ClinVar:

NM_000142.5(FGFR3):c.742C>T (p.Arg248Cys)

Gene: FGFR3. ClinVar aggregate classification (germline): Pathogenic. Pathogenic (50).

Submissions 20 to 35 of 63:

Women's Health and Genetics/Laboratory Corporation of America, LabCorp
Classification: Pathogenic for Achondroplasia. Last evaluated: 2024-01-19. Review status: criteria provided, single submitter. Criteria: LabCorp Variant Classification Summary - May 2015. Collection method: clinical testing. Allele origin: germline.
Comment: Variant summary: FGFR3 c.742C>T (p.Arg248Cys) results in a non-conservative amino acid change in the encoded protein sequence. Five of five in-silico tools predict a damaging effect of the variant on protein function. Consensus agreement among computation tools predict no significant impact on normal splicing. However, these predictions have yet to be confirmed by functional studies. The variant was absent in 236978 control chromosomes (gnomAD). c.742C>T has been reported in the literature in multiple individuals affected with Thanatophoric Dysplasia or Achondroplasia (examples: Gomes_2018 and Liu_2019). At-least one of these cases was reported as a de novo occurrence (Liu_2019). The following publications have been ascertained in the context of this evaluation (PMID: 29593476, 31299979). These data indicate that the variant is very likely to be associated with disease. ClinVar contains an entry for this variant (Variation ID: 16332). Based on the evidence outlined above, the variant was classified as pathogenic.

Clinical Genomics Laboratory, Washington University in St. Louis
Classification: Pathogenic for Epidermal nevus. Last evaluated: 2023-09-22. Review status: criteria provided, single submitter. Criteria: ACMG Guidelines, 2015. Collection method: clinical testing. Allele origin: somatic. Affected: yes.
Comment: The FGFR3 c.742C>T (p.Arg248Cys) variant was identified at an allelic fraction consistent with somatic origin. This variant has been reported in many individuals affected with epidermal nevi (Hafner C et al., PMID: 16841094; Bygum A et al., PMID: 21639936; Hafner C et al., PMID: 22499344; Collin B et al., PMID: 17441958; Hafner C et al., PMID: 17673550). This variant has been reported in the ClinVar database as a pathogenic/likely pathogenic variant by many submitters in both a germline and somatic state (ClinVar Variation ID: 16332), and it has been reported in multiple cases in the cancer database COSMIC (COSMIC ID: COSV53390662). The FGFR3 c.742C>T (p.Arg248Cys) variant is absent from the general population (gnomAD v.3.1.2), indicating it is not a common variant. This variant resides within the ligand binding region of the extracellular domain, amino acids 23‚Äì375, of FGFR3, which is defined as a critical functional domain (Logié A et al., PMID: 15772091). Functional studies show that this variant leads to ligand-independent receptor activation, downstream activation of the mitogen-activated protein kinase pathway, increased cellular proliferation, and impaired apoptosis in multiple cell lines (Naski MC et al., PMID: 8640234; Hafner C et al., PMID: 20420824). Computational predictors indicate that the variant is damaging, evidence that correlates with impact on FGFR3 function. Based on an internally developed protocol informed by the ACMG/AMP guidelines (Richards S et al., PMID: 25741868) and gene-specific practices from the ClinGen Criteria Specification Registry, the FGFR3 c.742C>T (p.Arg248Cys) variant is classified as pathogenic.

Johns Hopkins Genomics, Johns Hopkins University
Classification: Pathogenic for Thanatophoric dysplasia type 1. Last evaluated: 2023-09-21. Review status: criteria provided, single submitter. Criteria: ACMG Guidelines, 2015. Collection method: clinical testing. Allele origin: germline.
Comment: c.742C>T in FGFR3 is a variant known to account for the majority (66.5%) of cases with thanatophoric dysplasia type I, with functional studies showing that it leads to ligand-independent FGFR3 dimerization. This variant has been reported in ClinVar (Variation ID 16332), but is absent from a large population dataset. We consider c.742C>T; p.Arg248Cys in FGFR3 to be pathogenic.

Clinical Genetics Laboratory, Skane University Hospital Lund
Classification: Pathogenic. Last evaluated: 2023-09-19. Review status: criteria provided, single submitter. Criteria: ACMG Guidelines, 2015. Collection method: clinical testing. Allele origin: germline. Affected: yes.

Illumina Laboratory Services, Illumina
Classification: Pathogenic for FGFR3-related chondrodysplasia. Last evaluated: 2023-09-13. Review status: criteria provided, single submitter. Criteria: ICSLVariantClassificationCriteria RUGD 01 April 2020. Collection method: clinical testing. Allele origin: unknown.
Comment: The FGFR3 c.742C>T p.(Arg248Cys) missense variant is one of the most common variants reported in individuals with thanatophoric dysplasia and has been reported in over 100 cases, including in a de novo and mosaic state (PMID: 25614871; 12833394; 32360156; 33942288). It has also been reported in at least one individual with a clinical phenotype of achondroplasia with no mosaicism detected in blood or buccal mucosal cells (PMID: 11754059). The p.Arg248Cys variant is not observed in version 2.1.1 or version 3.1.2 of the Genome Aggregation Database. Multiple lines of computational evidence suggest this variant may impact the gene or gene product, and functional studies have confirmed it results in FGFR3 activation (PMID: 19088846). This variant has a consensus pathogenic classification in ClinVar. Based on the available evidence, the c.742C>T p.(Arg248Cys) variant is classified as pathogenic for FGFR3 chondrodysplasias.

Division of Human Genetics, National Health Laboratory Service/University of the Witwatersrand
Classification: Pathogenic for Thanatophoric dysplasia type 1. Last evaluated: 2023-07-01. Review status: criteria provided, single submitter. Criteria: ACMG Guidelines, 2015. Collection method: research. Allele origin: germline. Affected: yes.

Neuberg Centre For Genomic Medicine, NCGM
Classification: Pathogenic for Thanatophoric dysplasia type 1. Last evaluated: 2023-06-22. Review status: criteria provided, single submitter. Criteria: ACMG Guidelines, 2015. Collection method: clinical testing. Allele origin: germline. Inheritance: Autosomal dominant inheritance. Affected: yes.
Comment: The missense variant c.742C>Tp.Arg248Cys in FGFR3 gene has been observed in heterozygous state in multiple individuals with thanatophoric dysplasia Xue et. al., 2014; Hylandet. al., 2003; Chen et. al., 2001. Experimental studies have shown that this missense change affects FGFR3 function Del Piccolo et. al., 2015. The observed variant is absent in gnomAD exomes database. This variant has been submitted to the ClinVar database as Pathogenic multiple submitters. Multiple lines of computational evidence Polyphen - probably damaging, SIFT - damaging and MutationTaster - disease causing predict a damaging effect on protein structure and function for this variant. The reference amino acid change p.Arg248Cys in FGFR3 is predicted as conserved by GERP++ and PhyloP across 100 vertebrates. The amino acid Arg at position 248 is changed to a Cys changing protein sequence and it might alter its composition and physico-chemical properties. For these reasons, this variant has been classified as Pathogenic.

Daryl Scott Lab, Baylor College of Medicine
Classification: Pathogenic for Thanatophoric dysplasia type 1. Last evaluated: 2022-08-22. Review status: criteria provided, single submitter. Criteria: ACMG Guidelines, 2015. Collection method: clinical testing. Allele origin: maternal. Observed: 1 variant allele, 1 heterozygote.

Equipe Genetique des Anomalies du Developpement, Université de Bourgogne
Classification: Pathogenic for Thanatophoric dysplasia type 1. Last evaluated: 2022-07-18. Review status: criteria provided, single submitter. Criteria: ACMG Guidelines, 2015. Collection method: clinical testing. Allele origin: de novo. Inheritance: Autosomal dominant inheritance. Affected: yes.

Genome Diagnostics Laboratory, The Hospital for Sick Children
Classification: Pathogenic for Connective tissue disorder. Last evaluated: 2022-07-05. Review status: criteria provided, single submitter. Criteria: ACMG Guidelines, 2015. Collection method: clinical testing. Allele origin: germline.

Mendelics
Classification: Pathogenic for Achondroplasia. Last evaluated: 2022-05-04. Review status: criteria provided, single submitter. Criteria: Mendelics Assertion Criteria 2019. Collection method: clinical testing. Allele origin: germline.

Baylor Genetics
Classification: Pathogenic for Thanatophoric dysplasia type 1. Last evaluated: 2022-03-30. Review status: criteria provided, single submitter. Criteria: ACMG Guidelines, 2015. Collection method: clinical testing. Allele origin: unknown.

Dasa
Classification: Pathogenic for FGFR3-related chondrodysplasia. Last evaluated: 2022-03-05. Review status: criteria provided, single submitter. Criteria: ACMG Guidelines, 2015. Collection method: clinical testing. Allele origin: germline. Affected: yes. Observed: 1 variant allele.
Comment: Well-established in vitro or in vivo functional studies supportive of a damaging effect on the gene or gene product (PMID: 1908846; 25606676) - PS3_moderate.The c.742C>T;p.(Arg248Cys) missense variant has been observed in affected individual(s) and ClinVar contains an entry for this variant (ClinVar ID: 16332; PMID: 10696568; PMID: 7773297; PMID: 11241532) - PS4. This variant is not present in population databases (rs121913482- gnomAD; ABraOM no frequency) - PM2. The variant was assumed de novo, but without confirmation of paternity and maternity (PMID: 7773297) - PM6. Multiple lines of computational evidence support a deleterious effect on the gene or gene product - PP3. In summary, the currently available evidence indicates that the variant is pathogenic.

Daryl Scott Lab, Baylor College of Medicine
Classification: Pathogenic for FGFR3-related disorder. Last evaluated: 2022-02-01. Review status: criteria provided, single submitter. Criteria: ACMG Guidelines, 2015. Collection method: clinical testing. Allele origin: de novo. Affected: yes. Observed: 1 variant allele.

Institute for Clinical Genetics, University Hospital TU Dresden, University Hospital TU Dresden
Classification: Pathogenic. Last evaluated: 2022-01-10. Review status: criteria provided, single submitter. Criteria: ACMG Guidelines, 2015. Collection method: clinical testing. Allele origin: de novo.

AURAGEN, Plan France Médecine Génomique
Classification: Pathogenic for Chondrodysplasia. Last evaluated: 2021-12-07. Review status: criteria provided, single submitter. Criteria: PFMG2025 (Lancet Reg Health Eur. 2025). Collection method: clinical testing. Allele origin: germline. Affected: yes.